The following is an entry in ClinVar:

NM_001256012.3(MYH10):c.1511T>C (p.Leu504Pro)

Gene: MYH10 (myosin heavy chain 10; minus strand). Cytogenetic location: 17p13.1.
Variant type: single nucleotide variant.
Coding change: c.1511T>C on transcript NM_001256012.3 (MANE Select); coding-DNA position 1511, T replaced by C.
Protein change: p.Leu504Pro; replaces leucine 504 with proline.
Molecular consequence: missense variant.
Genome position (GRCh38, 1-based): chr17:8,542,201, A>G on the plus strand (T>C on the coding strand, the complement: MYH10 is on the minus strand). VCF-style: chr17-8542201-A-G. GRCh37 (hg19) VCF-style: chr17-8445519-A-G.
Other names: c.1511T>C, p.Leu504Pro (NM_001375266.1); c.1481T>C, p.Leu494Pro (NM_005964.5); c.1508T>C, p.Leu503Pro (NM_001256095.2); short protein forms L504P, L494P, L503P.
Identifiers: ClinVar variation 3915390 (VCV003915390.1).

ClinVar aggregate classification (germline): Likely pathogenic (1 of 4 stars; one submission).

Conditions:
Inborn genetic diseases. Identifiers: MedGen C0950123, MeSH D030342.

Submission:

Ambry Genetics
Classification: Likely pathogenic for Inborn genetic diseases. Last evaluated: 2025-04-25. Review status: criteria provided, single submitter. Criteria: Ambry Variant Classification Scheme 2023. Collection method: clinical testing. Allele origin: germline.
Comment: The c.1481T>C (p.L494P) alteration is located in exon 13 (coding exon 12) of the MYH10 gene. This alteration results from a T to C substitution at nucleotide position 1481, causing the leucine (L) at amino acid position 494 to be replaced by a proline (P). This variant was not reported in population-based cohorts in the Genome Aggregation Database (gnomAD). This amino acid position is highly conserved in available vertebrate species. This alteration is predicted to be deleterious by in silico analysis. Based on the available evidence, this alteration is classified as likely pathogenic.